The following is an entry in ClinVar:

ClinVar aggregate classification (germline): Uncertain significance (1 of 4 stars; one submission).

Allele frequency attached by ClinVar (database versions not stated): gnomAD exomes below 0.00001; TOPMed 0.00001; ESP Exome Variant Server 0.00008.
gnomAD v4.1: 1 of 1,611,624 alleles (0.000062%); highest among the groups gnomAD compares: Non-Finnish European, 0.000085%; no homozygotes.

Submission:

Women's Health and Genetics/Laboratory Corporation of America, LabCorp
Classification: Uncertain significance. Last evaluated: 2025-02-07. Review status: criteria provided, single submitter. Criteria: LabCorp Variant Classification Summary - May 2015. Collection method: clinical testing. Allele origin: germline.
Comment: Variant summary: HBB c.*37C>G is located in the untranslated mRNA region downstream of the termination codon. The variant allele was found at a frequency of 4e-06 in 251302 control chromosomes (gnomAD v2.1). The available data on variant occurrences in the general population are insufficient to allow any conclusion about variant significance. To our knowledge, no occurrence of c.*37C>G in individuals affected with Hemoglobinopathy and no experimental evidence demonstrating its impact on protein function have been reported. ClinVar contains an entry for this variant (Variation ID: 2429156). Based on the evidence outlined above, the variant was classified as uncertain significance.

NM_000518.5(HBB):c.*37C>G

Genes: HBB (hemoglobin subunit beta; minus strand), LOC107133510 (origin of replication at HBB; plus strand), LOC110006319 (beta-globin gene 3' regulatory region; plus strand). Cytogenetic location: 11p15.4.
Variant type: single nucleotide variant.
Coding change: c.*37C>G on transcript NM_000518.5 (MANE Select); 37 bases downstream of the stop codon, C replaced by G.
Molecular consequence: 3 prime UTR variant.
Genome position (GRCh38, 1-based): chr11:5,225,561, G>C on the plus strand (C>G on the coding strand, the complement: HBB is on the minus strand). VCF-style: chr11-5225561-G-C. GRCh37 (hg19) VCF-style: chr11-5246791-G-C.
Identifiers: ClinVar variation 2429156 (VCV002429156.5), dbSNP rs369307975, ClinGen allele CA217112147.